The following is an entry in ClinVar:

ClinVar aggregate classification (germline): Likely benign. Review status: criteria provided, multiple submitters, no conflicts (2 of 4 stars). 2 submissions from 2 submitters: Likely benign (2). Last evaluated 2023-05-16.

Conditions:
Familial hypercholesterolemia. Also called: Familial hypercholesterolaemia; Familial hypercholesterolemias. Identifiers: MedGen C0020445, MONDO:0005439.
Hypercholesterolemia, autosomal dominant, 3 (FHCL3). Also called: Familial Hypercholesterolemia, Autosomal Dominant, 3; PCSK9-Related Familial Hypercholesterolemia, Autosomal Dominant; Familial hypercholesterolemia 3. Identifiers: MedGen C1863551, MONDO:0011369, OMIM 603776.

Submissions (2):

All of Us Research Program, National Institutes of Health
Classification: Likely benign for Hypercholesterolemia, autosomal dominant, 3. Last evaluated: 2023-05-16. Review status: criteria provided, single submitter. Criteria: ACMG Guidelines, 2015. Collection method: clinical testing. Allele origin: germline. Inheritance: Autosomal dominant inheritance. Observed: 1 variant allele, 1 heterozygote.
Comment: This study involves interpretation of variants in research participants for the purpose of population health screening. Participant phenotype was not available at the time of variant classification. Additional details can be found in publication PMID: 35346344, PMCID: PMC8962531

Color Diagnostics, LLC DBA Color Health
Classification: Likely benign for Familial hypercholesterolemia. Last evaluated: 2022-09-22. Review status: criteria provided, single submitter. Criteria: ACMG Guidelines, 2015. Collection method: clinical testing. Allele origin: germline.

NM_174936.4(PCSK9):c.1314del (p.Asn439fs)

Gene: PCSK9 (proprotein convertase subtilisin/kexin type 9; plus strand). Cytogenetic location: 1p32.3.
Variant type: Deletion.
Coding change: c.1314del on transcript NM_174936.4 (MANE Select); coding-DNA position 1314, one base deleted (C; older notation c.1314delC).
Protein change: p.Asn439fs; shifts the reading frame from asparagine 439.
Molecular consequence: frameshift variant. On other transcripts: non-coding transcript variant (5), intron variant (2).
Genome position (GRCh38, 1-based): chr1:55,058,169, C deleted; the last of 5 consecutive C bases (chr1:55,058,165-55,058,169); deleting any one gives the same sequence. VCF-style (leftmost placement, unchanged base first): chr1-55058164-AC-A. GRCh37 (hg19) VCF-style: chr1-55523837-AC-A.
Other names: c.1437del, p.Asn480fs (NM_001407240.1); c.1314del, p.Asn439fs (NM_001407241.1); c.1317del, p.Asn440fs (NM_001407242.1); c.1257del, p.Asn420fs (NM_001407243.1); c.1122del, p.Asn375fs (NM_001407245.1); c.939del, p.Asn314fs (NM_001407246.1); c.1181-330del (NM_001407244.1); c.1180+655del (NM_001407247.1); short protein forms N314fs, N375fs, N420fs, N439fs, N440fs, N480fs.
Identifiers: ClinVar variation 3075554 (VCV003075554.2), dbSNP rs2523260266, ClinGen allele CA2825000981.